The following is an entry in ClinVar:

ClinVar aggregate classification (germline): Uncertain significance (1 of 4 stars; one submission).

Conditions:
Cardiovascular phenotype. Identifiers: MedGen CN230736.

gnomAD v4.1: 1 of 1,613,902 alleles (0.000062%); highest among the groups gnomAD compares: Non-Finnish European, 0.000085%; no homozygotes.

Submission:

Ambry Genetics
Classification: Uncertain significance for Cardiovascular phenotype. Last evaluated: 2024-04-19. Review status: criteria provided, single submitter. Criteria: Ambry Variant Classification Scheme 2023. Collection method: clinical testing. Allele origin: germline.
Comment: The p.M647L variant (also known as c.1939A>C), located in coding exon 11 of the CBL gene, results from an A to C substitution at nucleotide position 1939. The methionine at codon 647 is replaced by leucine, an amino acid with highly similar properties. This amino acid position is conserved. In addition, this alteration is predicted to be tolerated by in silico analysis. Based on the available evidence, the clinical significance of this variant remains unclear.

NM_005188.4(CBL):c.1939A>C (p.Met647Leu)

Gene: CBL (Cbl proto-oncogene; plus strand). Cytogenetic location: 11q23.3.
Variant type: single nucleotide variant.
Coding change: c.1939A>C on transcript NM_005188.4 (MANE Select); coding-DNA position 1939, A replaced by C.
Protein change: p.Met647Leu; replaces methionine 647 with leucine.
Molecular consequence: missense variant.
Genome position (GRCh38, 1-based): chr11:119,285,564, A>C. VCF-style: chr11-119285564-A-C. GRCh37 (hg19) VCF-style: chr11-119156274-A-C.
Other names: short protein forms M647L.
Identifiers: ClinVar variation 3263621 (VCV003263621.1).
Genomic context (GRCh38, chr11:119,285,564, plus strand): 5'-CAAATGGAGCCCAGACCAGATGTGCCTAGGCTCGGAAGCACGTTCAGTCTGGATACCTCC[A>C]TGGTGAGTCTTAATTTTGAAACTATCTAACCTGTTAAGAAATATGTGTGGGCCAGGCACA-3'
Protein context (NP_005179.2, residues 637-657): LGSTFSLDTS[Met647Leu]SMNSSPLVGP